The following is an entry in ClinVar:

ClinVar aggregate classification (germline): Uncertain significance (1 of 4 stars; one submission).

Conditions:
Capillary malformation-arteriovenous malformation syndrome. Also called: Capillary malformation-arteriovenous malformation. Identifiers: Orphanet 137667, MedGen C1842180, MONDO:0012016.

Submission:

Labcorp Genetics (formerly Invitae), Labcorp
Classification: Uncertain significance for Capillary malformation-arteriovenous malformation syndrome. Last evaluated: 2018-07-03. Review status: criteria provided, single submitter. Criteria: Invitae Variant Classification Sherloc (09022015). Collection method: clinical testing. Allele origin: germline.
Comment: In summary, the available evidence is currently insufficient to determine the role of this variant in disease. Therefore, it has been classified as a Variant of Uncertain Significance. Algorithms developed to predict the effect of missense changes on protein structure and function are either unavailable or do not agree on the potential impact of this missense change (SIFT: "Deleterious"; PolyPhen-2: "Possibly Damaging"; Align-GVGD: "Class C0"). This variant has not been reported in the literature in individuals with RASA1-related disease. This variant is not present in population databases (ExAC no frequency). This sequence change replaces proline with histidine at codon 48 of the RASA1 protein (p.Pro48His). The proline residue is moderately conserved and there is a moderate physicochemical difference between proline and histidine.

NM_002890.3(RASA1):c.143C>A (p.Pro48His)

Gene: RASA1 (RAS p21 protein activator 1; plus strand). Cytogenetic location: 5q14.3.
Variant type: single nucleotide variant.
Coding change: c.143C>A on transcript NM_002890.3 (MANE Select); coding-DNA position 143, C replaced by A.
Protein change: p.Pro48His; replaces proline 48 with histidine.
Molecular consequence: missense variant.
Genome position (GRCh38, 1-based): chr5:87,268,594, C>A. VCF-style: chr5-87268594-C-A. GRCh37 (hg19) VCF-style: chr5-86564411-C-A.
Other names: short protein forms P48H.
Identifiers: ClinVar variation 659874 (VCV000659874.10), dbSNP rs1580178676, ClinGen allele CA360416853.